The following is an entry in ClinVar:

NM_004667.6(HERC2):c.6540A>G (p.Gly2180=)

Gene: HERC2 (HECT and RLD domain containing E3 ubiquitin protein ligase 2; minus strand). Cytogenetic location: 15q13.1.
Variant type: single nucleotide variant.
Coding change: c.6540A>G on transcript NM_004667.6 (MANE Select); coding-DNA position 6540, A replaced by G.
Protein change: p.Gly2180=; no amino-acid change (glycine 2180 retained).
Molecular consequence: synonymous variant.
Genome position (GRCh38, 1-based): chr15:28,214,091, T>C on the plus strand (A>G on the coding strand, the complement: HERC2 is on the minus strand). VCF-style: chr15-28214091-T-C. GRCh37 (hg19) VCF-style: chr15-28459237-T-C.
Identifiers: ClinVar variation 2645066 (VCV002645066.24), dbSNP rs925493196, ClinGen allele CA267951265.
Genomic context (GRCh38, chr15:28,214,091, plus strand): 5'-CAGGTTCACCGTTGAACTAAATTAATTCTGAGAACACAAACCCACCCCTTCGGAAGGCCT[T>C]CCCACAAAGCTGTGGGTGATGGAGCGGAGCTGGGAGTTGATGTACTTGTTGATGAGCCCA-3'
Protein context (NP_004658.3, residues 2170-2190): QLRSITHSFV[Gly2180=]RPSEGAQLED

ClinVar aggregate classification (germline): Likely benign (1 of 4 stars; one submission).

Allele frequency attached by ClinVar (database versions not stated): TOPMed below 0.00001.

Submission:

CeGaT Center for Human Genetics Tuebingen
Classification: Likely benign. Last evaluated: 2023-03-01. Review status: criteria provided, single submitter. Criteria: CeGaT Center For Human Genetics Tuebingen Variant Classification Criteria Version 2. Collection method: clinical testing. Allele origin: germline. Affected: yes. Observed: 1 variant allele.
Comment: HERC2: PM2:Supporting, BP4, BP7